The following is an entry in ClinVar:

ClinVar aggregate classification (germline): Likely benign. Review status: criteria provided, multiple submitters, no conflicts (2 of 4 stars). 3 submissions from 3 submitters: Likely benign (3). Last evaluated 2019-10-30.

Conditions:
Inborn genetic diseases. Identifiers: MedGen C0950123, MeSH D030342.
Charcot-Marie-Tooth disease axonal type 2P. Also called: CHARCOT-MARIE-TOOTH NEUROPATHY, TYPE 2P; Charcot-Marie-Tooth Neuropathy Type 2G; CHARCOT-MARIE-TOOTH DISEASE, AXONAL, TYPE 2G; CMT 2G. Identifiers: Orphanet 300319, Orphanet 99941, MedGen C3280797, MONDO:0013753, OMIM 614436.

gnomAD v4.1: 1 of 1,614,032 alleles (0.000062%); highest among the groups gnomAD compares: Non-Finnish European, 0.000085%; no homozygotes.

Submissions (3):

Labcorp Genetics (formerly Invitae), Labcorp
Classification: Likely benign for Charcot-Marie-Tooth disease axonal type 2P. Last evaluated: 2019-10-30. Review status: criteria provided, single submitter. Criteria: Invitae Variant Classification Sherloc (09022015). Collection method: clinical testing. Allele origin: germline.

Ambry Genetics
Classification: Likely benign for Inborn genetic diseases. Last evaluated: 2019-07-11. Review status: criteria provided, single submitter. Criteria: Ambry Variant Classification Scheme 2023. Collection method: clinical testing. Allele origin: germline.

GeneDx
Classification: Likely benign. Last evaluated: 2017-06-16. Review status: criteria provided, single submitter. Criteria: GeneDx Variant Classification (06012015). Collection method: clinical testing. Allele origin: germline. Affected: yes.
Comment: This variant is considered likely benign or benign based on one or more of the following criteria: it is a conservative change, it occurs at a poorly conserved position in the protein, it is predicted to be benign by multiple in silico algorithms, and/or has population frequency not consistent with disease.

NM_001005373.4(LRSAM1):c.1941C>G (p.Val647=)

Gene: LRSAM1 (leucine rich repeat and sterile alpha motif containing 1; plus strand). Cytogenetic location: 9q34.11.
Variant type: single nucleotide variant.
Coding change: c.1941C>G on transcript NM_001005373.4 (MANE Select); coding-DNA position 1941, C replaced by G.
Protein change: p.Val647=; no amino-acid change (valine 647 retained).
Molecular consequence: synonymous variant. On other transcripts: non-coding transcript variant (2).
Genome position (GRCh38, 1-based): chr9:127,501,038, C>G. VCF-style: chr9-127501038-C-G. GRCh37 (hg19) VCF-style: chr9-130263317-C-G.
Other names: c.1941C>G, p.Val647= (NM_001005374.4, NM_001384142.1, NM_138361.5); c.1860C>G, p.Val620= (NM_001190723.3); c.1842C>G, p.Val614= (NM_001384143.1); c.1152C>G, p.Val384= (NM_001384144.1); c.1941C>G (NM_138361.4).
Identifiers: ClinVar variation 518042 (VCV000518042.11), dbSNP rs1000632610, ClinGen allele CA467236632.